The following is an entry in ClinVar:

NM_000243.3(MEFV):c.1609A>G (p.Arg537Gly)

Gene: MEFV (MEFV innate immunity regulator, pyrin; minus strand). Cytogenetic location: 16p13.3.
Variant type: single nucleotide variant.
Coding change: c.1609A>G on transcript NM_000243.3 (MANE Select); coding-DNA position 1609, A replaced by G.
Protein change: p.Arg537Gly; replaces arginine 537 with glycine.
Molecular consequence: missense variant.
Genome position (GRCh38, 1-based): chr16:3,246,526, T>C on the plus strand (A>G on the coding strand, the complement: MEFV is on the minus strand). VCF-style: chr16-3246526-T-C. GRCh37 (hg19) VCF-style: chr16-3296526-T-C.
Other names: c.976A>G, p.Arg326Gly (NM_001198536.2); short protein forms R537G, R326G.
Identifiers: ClinVar variation 5000069 (VCV005000069.1).
Genomic context (GRCh38, chr16:3,246,526, plus strand): 5'-GTCTCCCCCATATGCTTTCTGCAAGACACCCCAGGGTACACCACAGGACCTCGCTGTACC[T>C]GTGCAAGATGTCTCCAATGTCCTAGGAGAAAAAAGAAGGAAACTGTCGGTTACCAGGCTC-3'
Protein context (NP_000234.1, residues 527-547): LLQDIGDILH[Arg537Gly]AKTVPVPEKW

ClinVar aggregate classification (germline): Uncertain significance (1 of 4 stars; one submission).

Conditions:
MEFV-related disorder. Also called: MEFV-related disorders; MEFV-related condition.

Submission:

PreventionGenetics, part of Exact Sciences
Classification: Uncertain significance for MEFV-related condition. Last evaluated: 2024-11-06. Review status: criteria provided, single submitter. Criteria: ACMG Guidelines, 2015. Collection method: clinical testing. Allele origin: germline.
Comment: The MEFV c.1609A>G variant is predicted to result in the amino acid substitution p.Arg537Gly. To our knowledge, this variant has not been reported in the literature or in a large population database (gnomAD), indicating this variant is rare. At this time, the clinical significance of this variant is uncertain due to the absence of conclusive functional and genetic evidence.